The following is an entry in ClinVar:

NM_001378964.1(CDON):c.3551C>T (p.Pro1184Leu)

Gene: CDON (cell adhesion associated, oncogene regulated; minus strand). Cytogenetic location: 11q24.2.
Variant type: single nucleotide variant.
Coding change: c.3551C>T on transcript NM_001378964.1 (MANE Select); coding-DNA position 3551, C replaced by T.
Protein change: p.Pro1184Leu; replaces proline 1184 with leucine.
Molecular consequence: missense variant.
Genome position (GRCh38, 1-based): chr11:125,961,804, G>A on the plus strand (C>T on the coding strand, the complement: CDON is on the minus strand). VCF-style: chr11-125961804-G-A. GRCh37 (hg19) VCF-style: chr11-125831699-G-A.
Other names: c.3551C>T, p.Pro1184Leu (NM_001243597.3, NM_016952.6); short protein forms P1184L.
Identifiers: ClinVar variation 2855119 (VCV002855119.3), dbSNP rs370597894, ClinGen allele CA6351379.

ClinVar aggregate classification (germline): Uncertain significance (1 of 4 stars; one submission).

Conditions:
Holoprosencephaly 11 (HPE11). Identifiers: Orphanet 2162, MedGen C3280215, MONDO:0013642, OMIM 614226.

Allele frequency attached by ClinVar (database versions not stated): TOPMed 0.00002; gnomAD 0.00005; gnomAD exomes 0.00010; 1000 Genomes Project 30x 0.00016; 1000 Genomes Project 0.00020; ExAC 0.00021.
gnomAD v4.1: 155 of 1,614,168 alleles (0.0096%); highest among the groups gnomAD compares: South Asian, 0.16%; no homozygotes.

Submission:

Labcorp Genetics (formerly Invitae), Labcorp
Classification: Uncertain significance for Holoprosencephaly 11. Last evaluated: 2023-10-06. Review status: criteria provided, single submitter. Criteria: Invitae Variant Classification Sherloc (09022015). Collection method: clinical testing. Allele origin: germline.
Comment: This sequence change replaces proline, which is neutral and non-polar, with leucine, which is neutral and non-polar, at codon 1184 of the CDON protein (p.Pro1184Leu). This variant is present in population databases (rs370597894, gnomAD 0.1%). This variant has not been reported in the literature in individuals affected with CDON-related conditions. Advanced modeling of protein sequence and biophysical properties (such as structural, functional, and spatial information, amino acid conservation, physicochemical variation, residue mobility, and thermodynamic stability) performed at Invitae indicates that this missense variant is not expected to disrupt CDON protein function. In summary, the available evidence is currently insufficient to determine the role of this variant in disease. Therefore, it has been classified as a Variant of Uncertain Significance.